The following is an entry in ClinVar:

ClinVar aggregate classification (germline): Uncertain significance (1 of 4 stars; one submission).

Submission:

Labcorp Genetics (formerly Invitae), Labcorp
Classification: Uncertain significance. Last evaluated: 2023-08-02. Review status: criteria provided, single submitter. Criteria: Invitae Variant Classification Sherloc (09022015). Collection method: clinical testing. Allele origin: germline.
Comment: This sequence change replaces glutamine, which is neutral and polar, with proline, which is neutral and non-polar, at codon 479 of the COL2A1 protein (p.Gln479Pro). In summary, the available evidence is currently insufficient to determine the role of this variant in disease. Therefore, it has been classified as a Variant of Uncertain Significance. Advanced modeling of protein sequence and biophysical properties (such as structural, functional, and spatial information, amino acid conservation, physicochemical variation, residue mobility, and thermodynamic stability) performed at Invitae indicates that this missense variant is not expected to disrupt COL2A1 protein function. This variant has not been reported in the literature in individuals affected with COL2A1-related conditions. This variant is not present in population databases (gnomAD no frequency).

NM_001844.5(COL2A1):c.1436A>C (p.Gln479Pro)

Gene: COL2A1 (collagen type II alpha 1 chain; minus strand). Cytogenetic location: 12q13.11.
Variant type: single nucleotide variant.
Coding change: c.1436A>C on transcript NM_001844.5 (MANE Select); coding-DNA position 1436, A replaced by C.
Protein change: p.Gln479Pro; replaces glutamine 479 with proline.
Molecular consequence: missense variant.
Genome position (GRCh38, 1-based): chr12:47,986,427, T>G on the plus strand (A>C on the coding strand, the complement: COL2A1 is on the minus strand). VCF-style: chr12-47986427-T-G. GRCh37 (hg19) VCF-style: chr12-48380210-T-G.
Other names: c.1229A>C, p.Gln410Pro (NM_033150.3); short protein forms Q479P, Q410P.
Identifiers: ClinVar variation 2793134 (VCV002793134.3), dbSNP rs1592218894, ClinGen allele CA384552888.